The following is an entry in ClinVar:

ClinVar aggregate classification (germline): Uncertain significance (1 of 4 stars; one submission).

Conditions:
Inborn genetic diseases. Identifiers: MedGen C0950123, MeSH D030342.

gnomAD v4.1: 1 of 1,590,614 alleles (0.000063%); highest among the groups gnomAD compares: Non-Finnish European, 0.000085%; no homozygotes.

Submission:

Ambry Genetics
Classification: Uncertain significance for Inborn genetic diseases. Last evaluated: 2024-05-20. Review status: criteria provided, single submitter. Criteria: Ambry Variant Classification Scheme 2023. Collection method: clinical testing. Allele origin: germline.
Comment: The p.N426S variant (also known as c.1277A>G), located in coding exon 7 of the PIK3CA gene, results from an A to G substitution at nucleotide position 1277. The asparagine at codon 426 is replaced by serine, an amino acid with highly similar properties. This amino acid position is conserved. In addition, the in silico prediction for this alteration is inconclusive. Based on the available evidence, the clinical significance of this variant remains unclear.

NM_006218.4(PIK3CA):c.1277A>G (p.Asn426Ser)

Gene: PIK3CA (phosphatidylinositol-4,5-bisphosphate 3-kinase catalytic subunit alpha; plus strand). Cytogenetic location: 3q26.32.
Variant type: single nucleotide variant.
Coding change: c.1277A>G on transcript NM_006218.4 (MANE Select); coding-DNA position 1277, A replaced by G.
Protein change: p.Asn426Ser; replaces asparagine 426 with serine.
Molecular consequence: missense variant.
Genome position (GRCh38, 1-based): chr3:179,210,211, A>G. VCF-style: chr3-179210211-A-G. GRCh37 (hg19) VCF-style: chr3-178927999-A-G.
Other names: short protein forms N426S.
Identifiers: ClinVar variation 3306574 (VCV003306574.1).